The following is an entry in ClinVar:

NM_003172.4(SURF1):c.251G>A (p.Arg84Gln)

Gene: SURF1 (SURF1 cytochrome c oxidase assembly factor; minus strand). Cytogenetic location: 9q34.2.
Variant type: single nucleotide variant.
Coding change: c.251G>A on transcript NM_003172.4 (MANE Select); coding-DNA position 251, G replaced by A.
Protein change: p.Arg84Gln; replaces arginine 84 with glutamine.
Molecular consequence: missense variant. On other transcripts: 5 prime UTR variant (1).
Genome position (GRCh38, 1-based): chr9:133,354,731, C>T on the plus strand (G>A on the coding strand, the complement: SURF1 is on the minus strand). VCF-style: chr9-133354731-C-T. GRCh37 (hg19) VCF-style: chr9-136221586-C-T.
Other names: p.Arg84Gln; c.-77G>A (NM_001280787.1); c.251G>A (NM_003172.2); short protein forms R84Q.
Identifiers: ClinVar variation 1509236 (VCV001509236.7), dbSNP rs782044026, ClinGen allele CA200833370.

ClinVar aggregate classification (germline): Uncertain significance. Review status: criteria provided, multiple submitters, no conflicts (2 of 4 stars). 3 submissions from 3 submitters: Uncertain significance (3). Last evaluated 2025-08-04.

Conditions:
Inborn genetic diseases. Identifiers: MedGen C0950123, MeSH D030342.
Leigh syndrome (NULS). Also called: Leigh's necrotizing encephalopathy; Leigh's disease; Leigh Syndrome (mtDNA deletion); Leigh Disease; Subacute necrotizing encephalopathy; Necrotizing encephalopathy infantile subacute of Leigh. Identifiers: Orphanet 506, MedGen C2931891, MONDO:0009723, OMIM 256000.

Allele frequency attached by ClinVar (database versions not stated): gnomAD 0.00001.
gnomAD v4.1: 15 of 1,613,534 alleles (0.00093%); highest among the groups gnomAD compares: Middle Eastern, 0.016%; no homozygotes.

Submissions (3):

Ambry Genetics
Classification: Uncertain significance for Inborn genetic diseases. Last evaluated: 2025-08-04. Review status: criteria provided, single submitter. Criteria: Ambry Variant Classification Scheme 2023. Collection method: clinical testing. Allele origin: germline.

Mayo Clinic Laboratories, Mayo Clinic
Classification: Uncertain significance. Last evaluated: 2024-06-10. Review status: criteria provided, single submitter. Criteria: ACMG Guidelines, 2015. Collection method: clinical testing. Allele origin: germline. Observed: 1 variant allele.
Comment: PP3

Labcorp Genetics (formerly Invitae), Labcorp
Classification: Uncertain significance for Leigh syndrome. Last evaluated: 2022-03-29. Review status: criteria provided, single submitter. Criteria: Invitae Variant Classification Sherloc (09022015). Collection method: clinical testing. Allele origin: germline.
Comment: This sequence change replaces arginine, which is basic and polar, with glutamine, which is neutral and polar, at codon 84 of the SURF1 protein (p.Arg84Gln). This variant is present in population databases (rs782044026, gnomAD 0.006%). This variant has not been reported in the literature in individuals affected with SURF1-related conditions. Algorithms developed to predict the effect of missense changes on protein structure and function are either unavailable or do not agree on the potential impact of this missense change (SIFT: "Tolerated"; PolyPhen-2: "Probably Damaging"; Align-GVGD: "Class C0"). In summary, the available evidence is currently insufficient to determine the role of this variant in disease. Therefore, it has been classified as a Variant of Uncertain Significance.